The following is an entry in ClinVar:

NM_005055.5(RAPSN):c.33G>C (p.Glu11Asp)

Gene: RAPSN (receptor associated protein of the synapse; minus strand). Cytogenetic location: 11p11.2.
Variant type: single nucleotide variant.
Coding change: c.33G>C on transcript NM_005055.5 (MANE Select); coding-DNA position 33, G replaced by C.
Protein change: p.Glu11Asp; replaces glutamic acid 11 with aspartic acid.
Molecular consequence: missense variant.
Genome position (GRCh38, 1-based): chr11:47,448,932, C>G on the plus strand (G>C on the coding strand, the complement: RAPSN is on the minus strand). VCF-style: chr11-47448932-C-G. GRCh37 (hg19) VCF-style: chr11-47470484-C-G.
Other names: c.33G>C, p.Glu11Asp (NM_032645.5); short protein forms E11D.
Identifiers: ClinVar variation 1052540 (VCV001052540.12), dbSNP rs1047615316, ClinGen allele CA221723561.

ClinVar aggregate classification (germline): Uncertain significance. Review status: criteria provided, multiple submitters, no conflicts (2 of 4 stars). 3 submissions from 3 submitters: Uncertain significance (2). 1 of the submissions does not count toward it. Last evaluated 2022-10-13.

Conditions:
Congenital myasthenic syndrome (CMS). Also called: Congenital Myasthenic Syndromes. Identifiers: Orphanet 590, MedGen C0751882, MeSH D020294, MONDO:0018940.
Fetal akinesia deformation sequence 1 (FADS1). Also called: Pena-Shokeir syndrome type I; Fetal akinesia sequence. Identifiers: Orphanet 994, MedGen C1276035, MONDO:0100101, OMIM 208150, HP:0001989.
Congenital myasthenic syndrome 11. Also called: Myasthenic syndrome, congenital, 11, associated with acetylcholine receptor deficiency; MYASTHENIC SYNDROME, CONGENITAL, Ie. Identifiers: Orphanet 590, MedGen C4225367, MONDO:0014588, OMIM 616326.

Allele frequency attached by ClinVar (database versions not stated): gnomAD exomes below 0.00001; TOPMed below 0.00001; gnomAD 0.00001.
gnomAD v4.1: 3 of 1,614,136 alleles (0.00019%); highest among the groups gnomAD compares: African/African-American, 0.004%; no homozygotes.

Submissions (3):

Labcorp Genetics (formerly Invitae), Labcorp
Classification: Uncertain significance for Congenital myasthenic syndrome 11; Fetal akinesia deformation sequence 1. Last evaluated: 2022-10-13. Review status: criteria provided, single submitter. Criteria: Invitae Variant Classification Sherloc (09022015). Collection method: clinical testing. Allele origin: germline.
Comment: In summary, the available evidence is currently insufficient to determine the role of this variant in disease. Therefore, it has been classified as a Variant of Uncertain Significance. Advanced modeling of protein sequence and biophysical properties (such as structural, functional, and spatial information, amino acid conservation, physicochemical variation, residue mobility, and thermodynamic stability) has been performed at Invitae for this missense variant, however the output from this modeling did not meet the statistical confidence thresholds required to predict the impact of this variant on RAPSN protein function. ClinVar contains an entry for this variant (Variation ID: 1052540). This variant has not been reported in the literature in individuals affected with RAPSN-related conditions. This variant is present in population databases (no rsID available, gnomAD 0.01%). This sequence change replaces glutamic acid, which is acidic and polar, with aspartic acid, which is acidic and polar, at codon 11 of the RAPSN protein (p.Glu11Asp).

Revvity Omics, Revvity
Classification: Uncertain significance. Last evaluated: 2021-07-22. Review status: criteria provided, single submitter. Criteria: ACMG Guidelines, 2015. Collection method: clinical testing. Allele origin: germline.

Natera, Inc.
Classification: Uncertain significance for Congenital myasthenic syndrome. Last evaluated: 2020-01-31. Review status: no assertion criteria provided. Collection method: clinical testing. Allele origin: germline. Not counted in ClinVar's aggregate classification.